The following is an entry in ClinVar:

ClinVar aggregate classification (germline): Uncertain significance (1 of 4 stars; one submission).

Conditions:
Combined immunodeficiency due to LRBA deficiency. Also called: Common variable immunodeficiency 8, with autoimmunity. Identifiers: Orphanet 445018, MedGen C3553512, MONDO:0013863, OMIM 614700.

gnomAD v4.1: 6 of 1,613,404 alleles (0.00037%); highest among the groups gnomAD compares: Non-Finnish European, 0.00051%; no homozygotes.

Submission:

Labcorp Genetics (formerly Invitae), Labcorp
Classification: Uncertain significance for Combined immunodeficiency due to LRBA deficiency. Last evaluated: 2025-07-10. Review status: criteria provided, single submitter. Criteria: Invitae Variant Classification Sherloc (09022015). Collection method: clinical testing. Allele origin: germline.
Comment: This sequence change replaces threonine, which is neutral and polar, with proline, which is neutral and non-polar, at codon 2303 of the LRBA protein (p.Thr2303Pro). This variant is not present in population databases (gnomAD no frequency). This variant has not been reported in the literature in individuals affected with LRBA-related conditions. ClinVar contains an entry for this variant (Variation ID: 1503728). Invitae Evidence Modeling of protein sequence and biophysical properties (such as structural, functional, and spatial information, amino acid conservation, physicochemical variation, residue mobility, and thermodynamic stability) has been performed for this missense variant. However, the output from this modeling did not meet the statistical confidence thresholds required to predict the impact of this variant on LRBA protein function. In summary, the available evidence is currently insufficient to determine the role of this variant in disease. Therefore, it has been classified as a Variant of Uncertain Significance.

NM_001364905.1(LRBA):c.6874A>C (p.Thr2292Pro)

Gene: LRBA (LPS responsive beige-like anchor protein; minus strand). Cytogenetic location: 4q31.3.
Variant type: single nucleotide variant.
Coding change: c.6874A>C on transcript NM_001364905.1 (MANE Select); coding-DNA position 6874, A replaced by C.
Protein change: p.Thr2292Pro; replaces threonine 2292 with proline.
Molecular consequence: missense variant.
Genome position (GRCh38, 1-based): chr4:150,436,771, T>G on the plus strand (A>C on the coding strand, the complement: LRBA is on the minus strand). VCF-style: chr4-150436771-T-G. GRCh37 (hg19) VCF-style: chr4-151357923-T-G.
Other names: c.6874A>C, p.Thr2292Pro (NM_001199282.3, NM_001367550.1); c.6907A>C, p.Thr2303Pro (NM_006726.5); short protein forms T2292P, T2303P.
Identifiers: ClinVar variation 1503728 (VCV001503728.8), dbSNP rs2151995446, ClinGen allele CA358600366.